The following is an entry in ClinVar:

NM_001035.3(RYR2):c.3217G>A (p.Ala1073Thr)

Gene: RYR2 (ryanodine receptor 2; plus strand). Cytogenetic location: 1q43.
Variant type: single nucleotide variant.
Coding change: c.3217G>A on transcript NM_001035.3 (MANE Select); coding-DNA position 3217, G replaced by A.
Protein change: p.Ala1073Thr; replaces alanine 1073 with threonine.
Molecular consequence: missense variant.
Genome position (GRCh38, 1-based): chr1:237,566,569, G>A. VCF-style: chr1-237566569-G-A. GRCh37 (hg19) VCF-style: chr1-237729869-G-A.
Other names: short protein forms A1073T.
Identifiers: ClinVar variation 919596 (VCV000919596.8), dbSNP rs1427686482, ClinGen allele CA345397801.

ClinVar aggregate classification (germline): Uncertain significance. Review status: criteria provided, multiple submitters, no conflicts (2 of 4 stars). 3 submissions from 3 submitters: Uncertain significance (3). Last evaluated 2025-09-14.

Conditions:
Catecholaminergic polymorphic ventricular tachycardia (CVPT). Also called: Catecholamine-induced polymorphic ventricular tachycardia. Identifiers: Orphanet 3286, MedGen C5574922, MONDO:0017990.
Cardiomyopathy (CMYO). Also called: Cardiomyopathies. Identifiers: Orphanet 167848, MedGen C0878544, MONDO:0004994, HP:0001638. Inheritance: Various modes of inheritance.
Catecholaminergic polymorphic ventricular tachycardia 1. Also called: VENTRICULAR TACHYCARDIA, CATECHOLAMINERGIC POLYMORPHIC, 1, WITH OR WITHOUT ATRIAL DYSFUNCTION AND/OR DILATED CARDIOMYOPATHY; RYR2-Related Catecholaminergic Polymorphic Ventricular Tachycardia; VENTRICULAR TACHYCARDIA, STRESS-INDUCED POLYMORPHIC 1. Identifiers: Orphanet 3286, MedGen C1631597, MONDO:0011484, OMIM 604772.

Allele frequency attached by ClinVar (database versions not stated): gnomAD exomes below 0.00001; TOPMed 0.00002.
gnomAD v4.1: 6 of 1,612,518 alleles (0.00037%); highest among the groups gnomAD compares: East Asian, 0.0067%; no homozygotes.

Submissions (3):

Labcorp Genetics (formerly Invitae), Labcorp
Classification: Uncertain significance for Catecholaminergic polymorphic ventricular tachycardia 1. Last evaluated: 2025-09-14. Review status: criteria provided, single submitter. Criteria: Invitae Variant Classification Sherloc (09022015). Collection method: clinical testing. Allele origin: germline.
Comment: This sequence change replaces alanine, which is neutral and non-polar, with threonine, which is neutral and polar, at codon 1073 of the RYR2 protein (p.Ala1073Thr). This variant is not present in population databases (gnomAD no frequency). This variant has not been reported in the literature in individuals affected with RYR2-related conditions. ClinVar contains an entry for this variant (Variation ID: 919596). An algorithm developed to predict the effect of missense changes on protein structure and function outputs the following: PolyPhen-2: "Benign". The threonine amino acid residue is found in multiple mammalian species, which suggests that this missense change does not adversely affect protein function. In summary, the available evidence is currently insufficient to determine the role of this variant in disease. Therefore, it has been classified as a Variant of Uncertain Significance.

All of Us Research Program, National Institutes of Health
Classification: Uncertain significance for Catecholaminergic polymorphic ventricular tachycardia. Last evaluated: 2024-04-16. Review status: criteria provided, single submitter. Criteria: ACMG Guidelines, 2015. Collection method: clinical testing. Allele origin: germline. Inheritance: Autosomal dominant inheritance. Observed: 3 variant alleles, 3 heterozygotes.
Comment: Variant of Uncertain Significance due to insufficient evidence: This variant is located in the cytoplasmic SPRY domain 2 of the RYR2 protein. Computational prediction tools and conservation analyses are inconclusive regarding the impact of this variant on the protein function. Computational splicing tools suggest that this variant may not impact RNA splicing. To our knowledge, functional assays have not been performed for this variant nor has this variant been reported in individuals affected with cardiovascular disorders in the literature. This variant is rare in the general population and has been identified in 0/277264 chromosomes by the Genome Aggregation Database (gnomAD). Available evidence is insufficient to determine the pathogenicity of this variant conclusively.

This study involves interpretation of variants in research participants for the purpose of population health screening. Participant phenotype was not available at the time of variant classification. Additional details can be found in publication PMID: 35346344, PMCID: PMC8962531

Color Diagnostics, LLC DBA Color Health
Classification: Uncertain significance for Cardiomyopathy. Last evaluated: 2024-03-19. Review status: criteria provided, single submitter. Criteria: ACMG Guidelines, 2015. Collection method: clinical testing. Allele origin: germline.
Comment: This missense variant replaces alanine with threonine at codon 1073 of the RYR2 protein. Computational prediction suggests that this variant may not impact protein structure and function. To our knowledge, functional studies have not been reported for this variant. This variant has not been reported in individuals affected with RYR2-related disorders in the literature. This variant has not been identified in the general population by the Genome Aggregation Database (gnomAD). The available evidence is insufficient to determine the role of this variant in disease conclusively. Therefore, this variant is classified as a Variant of Uncertain Significance.